The following is an entry in ClinVar:

ClinVar aggregate classification (germline): Uncertain significance (1 of 4 stars; one submission).

Submission:

Labcorp Genetics (formerly Invitae), Labcorp
Classification: Uncertain significance. Last evaluated: 2023-08-25. Review status: criteria provided, single submitter. Criteria: Invitae Variant Classification Sherloc (09022015). Collection method: clinical testing. Allele origin: germline.
Comment: In summary, the available evidence is currently insufficient to determine the role of this variant in disease. Therefore, it has been classified as a Variant of Uncertain Significance. An algorithm developed to predict the effect of missense changes on protein structure and function (PolyPhen-2) suggests that this variant¬†is likely to be tolerated. ClinVar contains an entry for this variant (Variation ID: 1446542). This missense change has been observed in individuals with clinical features of retinitis pigmentosa (Invitae). This variant is not present in population databases (gnomAD no frequency). This sequence change replaces leucine, which is neutral and non-polar, with proline, which is neutral and non-polar, at codon 253 of the CNGA1 protein (p.Leu253Pro).

NM_001379270.1(CNGA1):c.746T>C (p.Leu249Pro)

Genes: CNGA1 (cyclic nucleotide gated channel subunit alpha 1; minus strand), LOC101927157 (uncharacterized LOC101927157; plus strand). Cytogenetic location: 4p12.
Variant type: single nucleotide variant.
Coding change: c.746T>C on transcript NM_001379270.1 (MANE Select); coding-DNA position 746, T replaced by C.
Protein change: p.Leu249Pro; replaces leucine 249 with proline.
Molecular consequence: missense variant.
Genome position (GRCh38, 1-based): chr4:47,937,736, A>G on the plus strand (T>C on the coding strand, the complement: CNGA1 is on the minus strand). VCF-style: chr4-47937736-A-G. GRCh37 (hg19) VCF-style: chr4-47939753-A-G.
Other names: c.746T>C, p.Leu249Pro (NM_000087.5, NM_001142564.2); short protein forms L249P.
Identifiers: ClinVar variation 1446542 (VCV001446542.6), dbSNP rs2110130721, ClinGen allele CA356828281.